The following is an entry in ClinVar:

NM_006231.4(POLE):c.608A>T (p.Asp203Val)

Gene: POLE (DNA polymerase epsilon, catalytic subunit; minus strand). Cytogenetic location: 12q24.33.
Variant type: single nucleotide variant.
Coding change: c.608A>T on transcript NM_006231.4 (MANE Select); coding-DNA position 608, A replaced by T.
Protein change: p.Asp203Val; replaces aspartic acid 203 with valine.
Molecular consequence: missense variant.
Genome position (GRCh38, 1-based): chr12:132,677,690, T>A on the plus strand (A>T on the coding strand, the complement: POLE is on the minus strand). VCF-style: chr12-132677690-T-A. GRCh37 (hg19) VCF-style: chr12-133254276-T-A.
Other names: short protein forms D203V.
Identifiers: ClinVar variation 968737 (VCV000968737.9), dbSNP rs937691282, ClinGen allele CA246300396.

ClinVar aggregate classification (germline): Uncertain significance (1 of 4 stars; one submission).

Allele frequency attached by ClinVar (database versions not stated): gnomAD exomes below 0.00001; gnomAD 0.00001; TOPMed 0.00001.
gnomAD v4.1: 1 of 1,614,002 alleles (0.000062%); highest among the groups gnomAD compares: Non-Finnish European, 0.000085%; no homozygotes.

Submission:

Labcorp Genetics (formerly Invitae), Labcorp
Classification: Uncertain significance. Last evaluated: 2022-05-22. Review status: criteria provided, single submitter. Criteria: Invitae Variant Classification Sherloc (09022015). Collection method: clinical testing. Allele origin: germline.
Comment: In summary, the available evidence is currently insufficient to determine the role of this variant in disease. Therefore, it has been classified as a Variant of Uncertain Significance. Algorithms developed to predict the effect of missense changes on protein structure and function are either unavailable or do not agree on the potential impact of this missense change (SIFT: "Deleterious"; PolyPhen-2: "Possibly Damaging"; Align-GVGD: "Class C0"). ClinVar contains an entry for this variant (Variation ID: 968737). This variant has not been reported in the literature in individuals affected with POLE-related conditions. This variant is present in population databases (no rsID available, gnomAD 0.0009%). This sequence change replaces aspartic acid, which is acidic and polar, with valine, which is neutral and non-polar, at codon 203 of the POLE protein (p.Asp203Val).